The following is an entry in ClinVar:

ClinVar aggregate classification (germline): Benign/Likely benign. Review status: criteria provided, multiple submitters, no conflicts (2 of 4 stars). 4 submissions from 4 submitters: Benign (1); Likely benign (3). Last evaluated 2026-01-11.

Conditions:
Adams-Oliver syndrome 5 (AOS5). Identifiers: Orphanet 974, MedGen C4014970, MONDO:0014459, OMIM 616028.
Familial thoracic aortic aneurysm and aortic dissection (TAAD). Also called: Thoracic aortic aneurysms and dissections. Identifiers: Orphanet 91387, MedGen C4707243, MONDO:0019625.

Allele frequency attached by ClinVar (database versions not stated): TOPMed 0.00001; gnomAD 0.00002 and 0.00003; gnomAD exomes 0.00003 and 0.00007; ExAC 0.00007; 1000 Genomes Project 30x 0.00016; 1000 Genomes Project 0.00020.
gnomAD v4.1: 101 of 1,611,496 alleles (0.0063%); highest among the groups gnomAD compares: East Asian, 0.19%; 1 homozygote.

Submissions (4):

Labcorp Genetics (formerly Invitae), Labcorp
Classification: Benign for Adams-Oliver syndrome 5. Last evaluated: 2026-01-11. Review status: criteria provided, single submitter. Criteria: Invitae Variant Classification Sherloc (09022015). Collection method: clinical testing. Allele origin: germline.

Ambry Genetics
Classification: Likely benign for Familial thoracic aortic aneurysm and aortic dissection. Last evaluated: 2025-09-17. Review status: criteria provided, single submitter. Criteria: Ambry Variant Classification Scheme 2023. Collection method: clinical testing. Allele origin: germline.

Blueprint Genetics
Classification: Likely benign. Last evaluated: 2022-08-30. Review status: criteria provided, single submitter. Criteria: ACMG Guidelines, 2015. Collection method: clinical testing. Allele origin: germline.

GeneDx
Classification: Likely benign. Last evaluated: 2018-03-20. Review status: criteria provided, single submitter. Criteria: GeneDx Variant Classification (06012015). Collection method: clinical testing. Allele origin: germline. Affected: yes.
Comment: This variant is considered likely benign or benign based on one or more of the following criteria: it is a conservative change, it occurs at a poorly conserved position in the protein, it is predicted to be benign by multiple in silico algorithms, and/or has population frequency not consistent with disease.

NM_017617.5(NOTCH1):c.1041C>T (p.Gly347=)

Gene: NOTCH1 (notch receptor 1; minus strand). Cytogenetic location: 9q34.3.
Variant type: single nucleotide variant.
Coding change: c.1041C>T on transcript NM_017617.5 (MANE Select); coding-DNA position 1041, C replaced by T.
Protein change: p.Gly347=; no amino-acid change (glycine 347 retained).
Molecular consequence: synonymous variant.
Genome position (GRCh38, 1-based): chr9:136,518,649, G>A on the plus strand (C>T on the coding strand, the complement: NOTCH1 is on the minus strand). VCF-style: chr9-136518649-G-A. GRCh37 (hg19) VCF-style: chr9-139413101-G-A.
Identifiers: ClinVar variation 680514 (VCV000680514.13), dbSNP rs553606088, ClinGen allele CA5341947.